The following is an entry in ClinVar:

NM_020964.3(EPG5):c.733G>T (p.Glu245Ter)

Gene: EPG5 (ectopic P-granules 5 autophagy tethering factor; minus strand). Cytogenetic location: 18q21.1.
Variant type: single nucleotide variant.
Coding change: c.733G>T on transcript NM_020964.3 (MANE Select); coding-DNA position 733, G replaced by T.
Protein change: p.Glu245Ter; replaces glutamic acid 245 with a stop codon.
Molecular consequence: nonsense.
Genome position (GRCh38, 1-based): chr18:45,954,669, C>A on the plus strand (G>T on the coding strand, the complement: EPG5 is on the minus strand). VCF-style: chr18-45954669-C-A. GRCh37 (hg19) VCF-style: chr18-43534635-C-A.
Other names: c.733G>T, p.Glu245Ter (NM_001410858.1, NM_001410859.1); short protein forms E245*.
Identifiers: ClinVar variation 4854592 (VCV004854592.1).

ClinVar aggregate classification (germline): Pathogenic (1 of 4 stars; one submission).

Conditions:
Vici syndrome (VICIS). Identifiers: Orphanet 1493, MedGen C1855772, MONDO:0009452, OMIM 242840.

Submission:

3billion
Classification: Pathogenic for Vici syndrome. Last evaluated: 2026-01-23. Review status: criteria provided, single submitter. Criteria: ACMG Guidelines, 2015. Collection method: clinical testing. Allele origin: germline. Affected: yes.
Comment: The variant is not observed in the gnomAD v4.1.0 dataset. Predicted Consequence/Location: Stop-gained (nonsense): predicted to result in a loss or disruption of normal protein function through nonsense-mediated decay (NMD) or protein truncation. Multiple pathogenic variants are reported downstream of the variant. Therefore, this variant is classified as Pathogenic according to the recommendation of ACMG/AMP guideline.